The following is an entry in ClinVar:

NM_032608.7(MYO18B):c.1396C>T (p.Pro466Ser)

Gene: MYO18B (myosin XVIIIB; plus strand). Cytogenetic location: 22q12.1.
Variant type: single nucleotide variant.
Coding change: c.1396C>T on transcript NM_032608.7 (MANE Select); coding-DNA position 1396, C replaced by T.
Protein change: p.Pro466Ser; replaces proline 466 with serine.
Molecular consequence: missense variant.
Genome position (GRCh38, 1-based): chr22:25,769,312, C>T. VCF-style: chr22-25769312-C-T. GRCh37 (hg19) VCF-style: chr22-26165279-C-T.
Other names: c.1396C>T, p.Pro466Ser (NM_001318245.2); short protein forms P466S.
Identifiers: ClinVar variation 1975778 (VCV001975778.2), dbSNP rs572934696, ClinGen allele CA10159815.

ClinVar aggregate classification (germline): Uncertain significance (1 of 4 stars; one submission).

Allele frequency attached by ClinVar (database versions not stated): TOPMed 0.00001.
gnomAD v4.1: 16 of 1,579,012 alleles (0.001%); highest among the groups gnomAD compares: African/African-American, 0.0027%; no homozygotes.

Submission:

Labcorp Genetics (formerly Invitae), Labcorp
Classification: Uncertain significance. Last evaluated: 2022-02-03. Review status: criteria provided, single submitter. Criteria: Invitae Variant Classification Sherloc (09022015). Collection method: clinical testing. Allele origin: germline.
Comment: This sequence change replaces proline, which is neutral and non-polar, with serine, which is neutral and polar, at codon 466 of the MYO18B protein (p.Pro466Ser). This variant is present in population databases (rs572934696, gnomAD 0.01%). This variant has not been reported in the literature in individuals affected with MYO18B-related conditions. Algorithms developed to predict the effect of missense changes on protein structure and function output the following: SIFT: "Not Available"; PolyPhen-2: "Benign"; Align-GVGD: "Not Available". The serine amino acid residue is found in multiple mammalian species, which suggests that this missense change does not adversely affect protein function. In summary, the available evidence is currently insufficient to determine the role of this variant in disease. Therefore, it has been classified as a Variant of Uncertain Significance.